The following is an entry in ClinVar:

NM_024809.5(TCTN2):c.668C>T (p.Thr223Met)

Gene: TCTN2 (tectonic family member 2; plus strand). Cytogenetic location: 12q24.31.
Variant type: single nucleotide variant.
Coding change: c.668C>T on transcript NM_024809.5 (MANE Select); coding-DNA position 668, C replaced by T.
Protein change: p.Thr223Met; replaces threonine 223 with methionine.
Molecular consequence: missense variant.
Genome position (GRCh38, 1-based): chr12:123,686,939, C>T. VCF-style: chr12-123686939-C-T. GRCh37 (hg19) VCF-style: chr12-124171486-C-T.
Other names: c.665C>T, p.Thr222Met (NM_001143850.3); short protein forms T223M, T222M.
Identifiers: ClinVar variation 212388 (VCV000212388.25), dbSNP rs145374149, ClinGen allele CA207558.

ClinVar aggregate classification (germline): Conflicting classifications of pathogenicity. Review status: criteria provided, conflicting classifications (1 of 4 stars). 10 submissions from 9 submitters: Uncertain significance (9); Likely benign (1). Last evaluated 2025-01-13.

Conditions:
Joubert syndrome 24 (JBTS24). Identifiers: Orphanet 475, MedGen C4084841, MONDO:0014724, OMIM 616654.
Meckel syndrome, type 8. Identifiers: Orphanet 564, MedGen C3836857, MONDO:0013482, OMIM 613885.
Inborn genetic diseases. Identifiers: MedGen C0950123, MeSH D030342.
Meckel-Gruber syndrome. Also called: DYSENCEPHALIA SPLANCHNOCYSTICA; Dysencephalia splachnocystica; GRUBER SYNDROME. Identifiers: Orphanet 564, MedGen C0265215, MONDO:0018921.
Joubert syndrome. Also called: Familial aplasia of the vermis; JOUBERT-BOLTSHAUSER SYNDROME. Identifiers: Orphanet 475, MedGen C5979921, MONDO:0018772.

Allele frequency attached by ClinVar (database versions not stated): 1000 Genomes Project 30x 0.00047; 1000 Genomes Project 0.00060; ExAC 0.00069; gnomAD exomes 0.00074 and 0.00111; TOPMed 0.00116; gnomAD 0.00121 and 0.00124; ESP Exome Variant Server 0.00161.

Submissions (10):

Labcorp Genetics (formerly Invitae), Labcorp
Classification: Uncertain significance for Joubert syndrome; Meckel-Gruber syndrome. Last evaluated: 2025-01-13. Review status: criteria provided, single submitter. Criteria: Invitae Variant Classification Sherloc (09022015). Collection method: clinical testing. Allele origin: germline.
Comment: This sequence change replaces threonine, which is neutral and polar, with methionine, which is neutral and non-polar, at codon 223 of the TCTN2 protein (p.Thr223Met). This variant is present in population databases (rs145374149, gnomAD 0.1%), and has an allele count higher than expected for a pathogenic variant. This variant has not been reported in the literature in individuals affected with TCTN2-related conditions. ClinVar contains an entry for this variant (Variation ID: 212388). Invitae Evidence Modeling of protein sequence and biophysical properties (such as structural, functional, and spatial information, amino acid conservation, physicochemical variation, residue mobility, and thermodynamic stability) indicates that this missense variant is not expected to disrupt TCTN2 protein function with a negative predictive value of 80%. In summary, the available evidence is currently insufficient to determine the role of this variant in disease. Therefore, it has been classified as a Variant of Uncertain Significance.

Blueprint Genetics
Classification: Likely benign. Last evaluated: 2024-11-20. Review status: criteria provided, single submitter. Criteria: ACMG Guidelines, 2015. Collection method: clinical testing. Allele origin: germline.

GeneDx
Classification: Uncertain significance. Last evaluated: 2022-02-16. Review status: criteria provided, single submitter. Criteria: GeneDx Variant Classification Process June 2021. Collection method: clinical testing. Allele origin: germline. Affected: yes.
Comment: In silico analysis supports that this missense variant does not alter protein structure/function; Has not been previously published as pathogenic or benign to our knowledge

Fulgent Genetics
Classification: Uncertain significance for Meckel syndrome, type 8; Joubert syndrome 24. Last evaluated: 2021-09-16. Review status: criteria provided, single submitter. Criteria: ACMG Guidelines, 2015. Collection method: clinical testing. Allele origin: unknown.

Ambry Genetics
Classification: Uncertain significance for Inborn genetic diseases. Last evaluated: 2021-01-27. Review status: criteria provided, single submitter. Criteria: Ambry Variant Classification Scheme 2023. Collection method: clinical testing. Allele origin: germline.
Comment: The c.668C>T (p.T223M) alteration is located in exon 6 (coding exon 6) of the TCTN2 gene. This alteration results from a C to T substitution at nucleotide position 668, causing the threonine (T) at amino acid position 223 to be replaced by a methionine (M). The p.T223M alteration is predicted to be tolerated by in silico analysis. Based on insufficient or conflicting evidence, the clinical significance of this alteration remains unclear.

Revvity Omics, Revvity
Classification: Uncertain significance. Last evaluated: 2020-08-12. Review status: criteria provided, single submitter. Criteria: ACMG Guidelines, 2015. Collection method: clinical testing. Allele origin: germline.

Knight Diagnostic Laboratories, Oregon Health and Sciences University
Classification: Uncertain significance for Joubert syndrome 24. Last evaluated: 2019-05-20. Review status: criteria provided, single submitter. Criteria: ACMG Guidelines, 2015. Collection method: clinical testing. Allele origin: germline. Observed: 1 variant allele.

Illumina Laboratory Services, Illumina
Classification: Uncertain significance for Joubert syndrome 24. Last evaluated: 2018-01-12. Review status: criteria provided, single submitter. Criteria: ICSL Variant Classification Criteria 13 December 2019. Collection method: clinical testing. Allele origin: germline.

Illumina Laboratory Services, Illumina
Classification: Uncertain significance for Meckel syndrome, type 8. Last evaluated: 2018-01-12. Review status: criteria provided, single submitter. Criteria: ICSL Variant Classification Criteria 13 December 2019. Collection method: clinical testing. Allele origin: germline.

Genetic Services Laboratory, University of Chicago
Classification: Uncertain significance. Last evaluated: 2015-03-10. Review status: criteria provided, single submitter. Criteria: ACMG Guidelines, 2015. Collection method: clinical testing. Allele origin: germline.